The following is an entry in ClinVar:

ClinVar aggregate classification (germline): Benign. Review status: criteria provided, single submitter (1 of 4 stars). 2 submissions from 1 submitter: Benign (2). Last evaluated 2018-01-13.

Conditions:
GM1 gangliosidosis. Identifiers: Orphanet 354, MedGen C0085131, MONDO:0018149.
Mucopolysaccharidosis, MPS-IV-B (MPS4B). Also called: Mucopolysaccharidosis type IV B; Mucopolysaccharidosis Type IVB (Morquio B Disease); Mucopolysaccharidosis type 4B; Mucopolysaccharidosis type IVB (Morquio); MPS IVB; Mucopolysaccharidosis Type IVB. Identifiers: Orphanet 309310, Orphanet 582, MedGen C0086652, MONDO:0009660, OMIM 253010.

Allele frequency attached by ClinVar (database versions not stated): gnomAD exomes 0.00032; gnomAD 0.00371 and 0.00393; TOPMed 0.00426; 1000 Genomes Project 0.00639; 1000 Genomes Project 30x 0.00687.
gnomAD v4.1: 874 of 1,078,878 alleles (0.081%); highest among the groups gnomAD compares: African/African-American, 1.3%; 7 homozygotes.

Submissions (2):

Illumina Laboratory Services, Illumina
Classification: Benign for GM1 gangliosidosis. Last evaluated: 2018-01-13. Review status: criteria provided, single submitter. Criteria: ICSL Variant Classification Criteria 13 December 2019. Collection method: clinical testing. Allele origin: germline.
Comment: This variant was observed in the ICSL laboratory as part of a predisposition screen in an ostensibly healthy population. It had not been previously curated by ICSL or reported in the Human Gene Mutation Database (HGMD: prior to June 1st, 2018), and was therefore a candidate for classification through an automated scoring system. Utilizing variant allele frequency, disease prevalence and penetrance estimates, and inheritance mode, an automated score was calculated to assess if this variant is too frequent to cause the disease. Based on the score and internal cut-off values, a variant classified as benign is not then subjected to further curation. The score for this variant resulted in a classification of benign for this disease.

Illumina Laboratory Services, Illumina
Classification: Benign for Mucopolysaccharidosis, MPS-IV-B. Last evaluated: 2018-01-13. Review status: criteria provided, single submitter. Criteria: ICSL Variant Classification Criteria 13 December 2019. Collection method: clinical testing. Allele origin: germline.
Comment: the same text as in the submission from Illumina Laboratory Services, Illumina above.

NM_000404.4(GLB1):c.*182A>G

Gene: GLB1 (galactosidase beta 1; minus strand). Cytogenetic location: 3p22.3.
Variant type: single nucleotide variant.
Coding change: c.*182A>G on transcript NM_000404.4 (MANE Select); 182 bases downstream of the stop codon, A replaced by G.
Molecular consequence: 3 prime UTR variant. On other transcripts: intron variant (1).
Genome position (GRCh38, 1-based): chr3:32,996,863, T>C on the plus strand (A>G on the coding strand, the complement: GLB1 is on the minus strand). VCF-style: chr3-32996863-T-C. GRCh37 (hg19) VCF-style: chr3-33038355-T-C.
Other names: c.*182A>G (NM_001079811.3, NM_001135602.3, NM_001317040.2); c.1734+17193A>G (NM_001393580.1).
Identifiers: ClinVar variation 344782 (VCV000344782.5), dbSNP rs76762176, ClinGen allele CA10615629.